The following is an entry in ClinVar:

NM_000111.3(SLC26A3):c.1964C>T (p.Ala655Val)

Gene: SLC26A3 (solute carrier family 26 member 3; minus strand). Cytogenetic location: 7q22.3.
Variant type: single nucleotide variant.
Coding change: c.1964C>T on transcript NM_000111.3 (MANE Select); coding-DNA position 1964, C replaced by T.
Protein change: p.Ala655Val; replaces alanine 655 with valine.
Molecular consequence: missense variant.
Genome position (GRCh38, 1-based): chr7:107,773,963, G>A on the plus strand (C>T on the coding strand, the complement: SLC26A3 is on the minus strand). VCF-style: chr7-107773963-G-A. GRCh37 (hg19) VCF-style: chr7-107414408-G-A.
Other names: short protein forms A655V.
Identifiers: ClinVar variation 2014059 (VCV002014059.1), dbSNP rs1794067048, ClinGen allele CA368850053.

ClinVar aggregate classification (germline): Uncertain significance (1 of 4 stars; one submission).

Allele frequency attached by ClinVar (database versions not stated): gnomAD exomes below 0.00001.

Submission:

Labcorp Genetics (formerly Invitae), Labcorp
Classification: Uncertain significance. Last evaluated: 2022-07-04. Review status: criteria provided, single submitter. Criteria: Invitae Variant Classification Sherloc (09022015). Collection method: clinical testing. Allele origin: germline.
Comment: This sequence change replaces alanine, which is neutral and non-polar, with valine, which is neutral and non-polar, at codon 655 of the SLC26A3 protein (p.Ala655Val). This variant is not present in population databases (gnomAD no frequency). This variant has not been reported in the literature in individuals affected with SLC26A3-related conditions. Algorithms developed to predict the effect of missense changes on protein structure and function are either unavailable or do not agree on the potential impact of this missense change (SIFT: "Tolerated"; PolyPhen-2: "Probably Damaging"; Align-GVGD: "Class C0"). In summary, the available evidence is currently insufficient to determine the role of this variant in disease. Therefore, it has been classified as a Variant of Uncertain Significance.